The following is an entry in ClinVar:

ClinVar aggregate classification (germline): Uncertain significance (1 of 4 stars; one submission).

Submission:

Dasa
Classification: Uncertain significance. Last evaluated: 2026-03-03. Review status: criteria provided, single submitter. Criteria: DASA Assertion Criteria. Collection method: clinical testing. Allele origin: germline.
Comment: NM_019066.5(MAGEL2):c.733C>A (p.Pro245Thr) is a missense variant that results in the substitution of proline with threonine. This variant is rare in population databases. The currently available literature and clinical evidence are not sufficient to establish a definitive association between this variant and the reported condition. Therefore, this variant is classified as a variant of uncertain significance.

NM_019066.5(MAGEL2):c.733C>A (p.Pro245Thr)

Gene: MAGEL2 (MAGE family member L2; minus strand). Cytogenetic location: 15q11.2.
Variant type: single nucleotide variant.
Coding change: c.733C>A on transcript NM_019066.5 (MANE Select); coding-DNA position 733, C replaced by A.
Protein change: p.Pro245Thr; replaces proline 245 with threonine.
Molecular consequence: missense variant.
Genome position (GRCh38, 1-based): chr15:23,647,010, G>T on the plus strand (C>A on the coding strand, the complement: MAGEL2 is on the minus strand). VCF-style: chr15-23647010-G-T. GRCh37 (hg19) VCF-style: chr15-23892157-G-T.
Other names: short protein forms P245T.
Identifiers: ClinVar variation 4883083 (VCV004883083.2).